The following is an entry in ClinVar:

NM_000132.4(F8):c.2112A>G (p.Pro704=)

Gene: F8 (coagulation factor VIII; minus strand). Cytogenetic location: Xq28.
Variant type: single nucleotide variant.
Coding change: c.2112A>G on transcript NM_000132.4 (MANE Select); coding-DNA position 2112, A replaced by G.
Protein change: p.Pro704=; no amino-acid change (proline 704 retained).
Molecular consequence: synonymous variant.
Genome position (GRCh38, 1-based): chrX:154,947,699, T>C on the plus strand (A>G on the coding strand, the complement: F8 is on the minus strand). VCF-style: chrX-154947699-T-C. GRCh37 (hg19) VCF-style: chrX-154175974-T-C.
Identifiers: ClinVar variation 4083232 (VCV004083232.1).

ClinVar aggregate classification (germline): Uncertain significance (1 of 4 stars; one submission).

gnomAD v4.1: 1 of 1,204,707 alleles (0.000083%); highest among the groups gnomAD compares: Middle Eastern, 0.023%; no homozygotes.

Submission:

GeneDx
Classification: Uncertain significance. Last evaluated: 2025-03-09. Review status: criteria provided, single submitter. Criteria: GeneDx Variant Classification Process June 2021. Collection method: clinical testing. Allele origin: germline. Affected: yes.
Comment: Not observed at significant frequency in large population cohorts (gnomAD); In silico analysis is inconclusive as to whether the variant alters gene splicing; in the absence of RNA/functional studies, the actual effect of this sequence change is unknown; Has not been previously published as pathogenic or benign to our knowledge